The following is an entry in ClinVar:

ClinVar aggregate classification (germline): Uncertain significance. Review status: criteria provided, multiple submitters, no conflicts (2 of 4 stars). 2 submissions from 2 submitters: Uncertain significance (2). Last evaluated 2026-01-05.

Allele frequency attached by ClinVar (database versions not stated): ESP Exome Variant Server 0.00015; gnomAD 0.00015 and 0.00017.

Submissions (2):

Labcorp Genetics (formerly Invitae), Labcorp
Classification: Uncertain significance. Last evaluated: 2026-01-05. Review status: criteria provided, single submitter. Criteria: Invitae Variant Classification Sherloc (09022015). Collection method: clinical testing. Allele origin: germline.
Comment: This sequence change replaces threonine, which is neutral and polar, with methionine, which is neutral and non-polar, at codon 121 of the MFF protein (p.Thr121Met). This variant is present in population databases (rs200360134, gnomAD 0.03%). This variant has not been reported in the literature in individuals affected with MFF-related conditions. ClinVar contains an entry for this variant (Variation ID: 1342747). An algorithm developed to predict the effect of missense changes on protein structure and function (PolyPhen-2) suggests that this variant is likely to be disruptive. In summary, the available evidence is currently insufficient to determine the role of this variant in disease. Therefore, it has been classified as a Variant of Uncertain Significance.

GeneDx
Classification: Uncertain significance. Last evaluated: 2022-02-25. Review status: criteria provided, single submitter. Criteria: GeneDx Variant Classification Process June 2021. Collection method: clinical testing. Allele origin: germline. Affected: yes.
Comment: In silico analysis supports that this missense variant has a deleterious effect on protein structure/function; Has not been previously published as pathogenic or benign to our knowledge

NM_001277062.2(MFF):c.284C>T (p.Thr95Met)

Gene: MFF (mitochondrial fission factor; plus strand). Cytogenetic location: 2q36.3.
Variant type: single nucleotide variant.
Coding change: c.284C>T on transcript NM_001277062.2 (MANE Select); coding-DNA position 284, C replaced by T.
Protein change: p.Thr95Met; replaces threonine 95 with methionine.
Molecular consequence: missense variant. On other transcripts: non-coding transcript variant (1).
Genome position (GRCh38, 1-based): chr2:227,332,521, C>T. VCF-style: chr2-227332521-C-T. GRCh37 (hg19) VCF-style: chr2-228197237-C-T.
Other names: c.362C>T, p.Thr121Met (NM_001277061.2, NM_020194.5); c.284C>T, p.Thr95Met (NM_001277063.2, NM_001277064.2, NM_001277065.2 and 2 more transcripts); c.134C>T, p.Thr45Met (NM_001277067.1); short protein forms T121M, T45M, T95M.
Identifiers: ClinVar variation 1342747 (VCV001342747.7), dbSNP rs200360134, ClinGen allele CA2147860.